The following is an entry in ClinVar:

NM_001127208.3(TET2):c.1205C>T (p.Ser402Leu)

Genes: TET2 (tet methylcytosine dioxygenase 2; plus strand), TET2-AS1 (TET2 antisense RNA 1; minus strand). Cytogenetic location: 4q24.
Variant type: single nucleotide variant.
Coding change: c.1205C>T on transcript NM_001127208.3 (MANE Select); coding-DNA position 1205, C replaced by T.
Protein change: p.Ser402Leu; replaces serine 402 with leucine.
Molecular consequence: missense variant.
Genome position (GRCh38, 1-based): chr4:105,235,147, C>T. VCF-style: chr4-105235147-C-T. GRCh37 (hg19) VCF-style: chr4-106156304-C-T.
Other names: c.1205C>T, p.Ser402Leu (NM_017628.4); short protein forms S402L.
Identifiers: ClinVar variation 3455351 (VCV003455351.1).

ClinVar aggregate classification (germline): Uncertain significance (1 of 4 stars; one submission).

Submission:

Ambry Genetics
Classification: Uncertain significance. Last evaluated: 2024-11-28. Review status: criteria provided, single submitter. Criteria: Ambry Variant Classification Scheme 2023. Collection method: clinical testing. Allele origin: germline.
Comment: The p.S402L variant (also known as c.1205C>T), located in coding exon 1 of the TET2 gene, results from a C to T substitution at nucleotide position 1205. The serine at codon 402 is replaced by leucine, an amino acid with dissimilar properties. This amino acid position is conserved. In addition, this alteration is predicted to be tolerated by in silico analysis. Based on the available evidence, the clinical significance of this variant remains unclear.